The following is an entry in ClinVar:

ClinVar aggregate classification (germline): Uncertain significance. Review status: criteria provided, multiple submitters, no conflicts (2 of 4 stars). 2 submissions from 2 submitters: Uncertain significance (2). Last evaluated 2024-05-03.

Allele frequency attached by ClinVar (database versions not stated): gnomAD exomes below 0.00001; gnomAD 0.00001.

Submissions (2):

ARUP Laboratories, Molecular Genetics and Genomics, ARUP Laboratories
Classification: Uncertain significance. Last evaluated: 2024-05-03. Review status: criteria provided, single submitter. Criteria: ARUP Molecular Germline Variant Investigation Process 2024. Collection method: clinical testing. Allele origin: germline.

Labcorp Genetics (formerly Invitae), Labcorp
Classification: Uncertain significance. Last evaluated: 2023-11-27. Review status: criteria provided, single submitter. Criteria: Invitae Variant Classification Sherloc (09022015). Collection method: clinical testing. Allele origin: germline.
Comment: This sequence change replaces methionine, which is neutral and non-polar, with valine, which is neutral and non-polar, at codon 1790 of the SPTB protein (p.Met1790Val). This variant is not present in population databases (gnomAD no frequency). This variant has not been reported in the literature in individuals affected with SPTB-related conditions. An algorithm developed to predict the effect of missense changes on protein structure and function (PolyPhen-2) suggests that this variant is likely to be tolerated. In summary, the available evidence is currently insufficient to determine the role of this variant in disease. Therefore, it has been classified as a Variant of Uncertain Significance.

NM_001355436.2(SPTB):c.5368A>G (p.Met1790Val)

Gene: SPTB (spectrin beta, erythrocytic; minus strand). Cytogenetic location: 14q23.3.
Variant type: single nucleotide variant.
Coding change: c.5368A>G on transcript NM_001355436.2 (MANE Select); coding-DNA position 5368, A replaced by G.
Protein change: p.Met1790Val; replaces methionine 1790 with valine.
Molecular consequence: missense variant.
Genome position (GRCh38, 1-based): chr14:64,772,765, T>C on the plus strand (A>G on the coding strand, the complement: SPTB is on the minus strand). VCF-style: chr14-64772765-T-C. GRCh37 (hg19) VCF-style: chr14-65239483-T-C.
Other names: c.5368A>G, p.Met1790Val (NM_001024858.4, NM_001355437.2); short protein forms M1790V.
Identifiers: ClinVar variation 2814214 (VCV002814214.4), dbSNP rs1030785965, ClinGen allele CA262689086.